The following is an entry in ClinVar:

NM_000277.3(PAH):c.1066-12del

Gene: PAH (phenylalanine hydroxylase; minus strand). Cytogenetic location: 12q23.2.
Variant type: Deletion.
Coding change: c.1066-12del on transcript NM_000277.3 (MANE Select); 12 bases into the intron before coding-DNA position 1066, one base deleted (T; older notation c.1066-12delT).
Molecular consequence: intron variant.
Genome position (GRCh38, 1-based): chr12:102,843,791, A deleted on the plus strand (T on the coding strand, the reverse complement: PAH is on the minus strand); the first of 2 consecutive A bases (chr12:102,843,791-102,843,792); deleting either gives the same sequence. VCF-style (leftmost placement, unchanged base first): chr12-102843790-CA-C. GRCh37 (hg19) VCF-style: chr12-103237568-CA-C.
Other names: c.1066-12del (NM_001354304.2).
Identifiers: ClinVar variation 872845 (VCV000872845.1), dbSNP rs1874706297, ClinGen allele CA16020924.

ClinVar aggregate classification (germline): Uncertain significance (3 of 4 stars; one submission).

Conditions:
Phenylketonuria (PKU). Also called: FOLLING DISEASE; Phenylketonuria (PKU); OLIGOPHRENIA PHENYLPYRUVICA; Phenylketonurias. Identifiers: Orphanet 716, MedGen C0031485, MONDO:0009861, OMIM 261600. Disease mechanism: loss of function.

Submission:

ClinGen PAH Variant Curation Expert Panel
Classification: Uncertain significance for Phenylketonuria. Last evaluated: 2019-11-06. Review status: reviewed by expert panel. Criteria: ClinGen PAH ACMG Specifications v1. Collection method: curation. Allele origin: germline. Inheritance: Autosomal recessive inheritance.
Comment: DHPR activity, biopterin and/or pteridine analysis was performed to rule out other causes of hyperphenylalaninemia. This variant is absent from the population databases ExAC and gnomAD. This non-coding variant is not located in a splice region and is not predicted to have splice-altering consequences. In summary, this variant meets criteria to be classified as uncertain significance for PAH. PAH-specific ACMG/AMP criteria applied: PM2, PP4, BP4.

Literature cited by the submitters: PubMed 26503515.